The following is an entry in ClinVar:

NM_003737.4(DCHS1):c.2932C>T (p.Arg978Cys)

Gene: DCHS1 (dachsous cadherin-related 1; minus strand). Cytogenetic location: 11p15.4.
Variant type: single nucleotide variant.
Coding change: c.2932C>T on transcript NM_003737.4 (MANE Select); coding-DNA position 2932, C replaced by T.
Protein change: p.Arg978Cys; replaces arginine 978 with cysteine.
Molecular consequence: missense variant.
Genome position (GRCh38, 1-based): chr11:6,632,580, G>A on the plus strand (C>T on the coding strand, the complement: DCHS1 is on the minus strand). VCF-style: chr11-6632580-G-A. GRCh37 (hg19) VCF-style: chr11-6653811-G-A.
Other names: c.2932C>T (NM_003737.3, NM_003737.2); short protein forms R978C.
Identifiers: ClinVar variation 1363973 (VCV001363973.11), dbSNP rs201160085, ClinGen allele CA5860635.
Genomic context (GRCh38, chr11:6,632,580, plus strand): 5'-GAGCCAGCCCACGGGTTCCCACATCCTGTACCACCACCCGTAGTCGAAAGTGGCTGGTGC[G>A]TGGTGGGGAGCCCCCATCCCGGGCCTCCAGCTCCAGCTCATGGGCTGGCCCTCCTGAGGG-3'
Protein context (NP_003728.1, residues 968-988): LEARDGGSPP[Arg978Cys]TSHFRLRVVV

ClinVar aggregate classification (germline): Conflicting classifications of pathogenicity. Review status: criteria provided, conflicting classifications (1 of 4 stars). 6 submissions from 6 submitters: Uncertain significance (5); Likely benign (1). Last evaluated 2026-08-18.

Conditions:
DCHS1-related disorder. Also called: DCHS1-related condition.
Inborn genetic diseases. Identifiers: MedGen C0950123, MeSH D030342.
Van Maldergem syndrome 1 (VMLDS1). Also called: Van Maldergem syndrome 1 (VMLDS1). Identifiers: Orphanet 314679, MedGen C4551950, MONDO:0011070, OMIM 601390.
Mitral valve prolapse, myxomatous 2. Also called: MMVP2; Mitral valve prolapse 2. Identifiers: MedGen C1843003, MONDO:0011915, OMIM 607829.

Allele frequency attached by ClinVar (database versions not stated): 1000 Genomes Project 0.00020; gnomAD 0.00024 and 0.00025; gnomAD exomes 0.00029 and 0.00055; TOPMed 0.00030; 1000 Genomes Project 30x 0.00031; ExAC 0.00052; ESP Exome Variant Server 0.00054.
gnomAD v4.1: 795 of 1,512,626 alleles (0.053%); highest among the groups gnomAD compares: Non-Finnish European, 0.066%; no homozygotes.

Submissions (6):

PreventionGenetics, part of Exact Sciences
Classification: Uncertain significance for DCHS1-related condition. Last evaluated: 2026-08-18. Review status: criteria provided, single submitter. Criteria: ACMG Guidelines, 2015. Collection method: clinical testing. Allele origin: germline.
Comment: The DCHS1 c.2932C>T variant is predicted to result in the amino acid substitution p.Arg978Cys. To our knowledge, this variant has not been reported in the literature. This variant is reported in 0.044% of alleles in individuals of European (non-Finnish) descent in gnomAD v2 (as displayed in the table above). However, in gnomAD v4 (available only on GRCh38), this variant is reported in 0.066% of alleles in the same sub-population. This population data is not consistent with this variant being a primary cause of disease. Although we suspect that this variant may be benign, at this time, the clinical significance of this variant is uncertain due to the absence of conclusive functional and genetic evidence.

Labcorp Genetics (formerly Invitae), Labcorp
Classification: Uncertain significance. Last evaluated: 2026-01-27. Review status: criteria provided, single submitter. Criteria: Invitae Variant Classification Sherloc (09022015). Collection method: clinical testing. Allele origin: germline.
Comment: This sequence change replaces arginine, which is basic and polar, with cysteine, which is neutral and slightly polar, at codon 978 of the DCHS1 protein (p.Arg978Cys). This variant is present in population databases (rs201160085, gnomAD 0.04%). This variant has not been reported in the literature in individuals affected with DCHS1-related conditions. ClinVar contains an entry for this variant (Variation ID: 1363973). Invitae Evidence Modeling of protein sequence and biophysical properties (such as structural, functional, and spatial information, amino acid conservation, physicochemical variation, residue mobility, and thermodynamic stability) has been performed for this missense variant. However, the output from this modeling did not meet the statistical confidence thresholds required to predict the impact of this variant on DCHS1 protein function. In summary, the available evidence is currently insufficient to determine the role of this variant in disease. Therefore, it has been classified as a Variant of Uncertain Significance.

Blueprint Genetics
Classification: Likely benign. Last evaluated: 2024-11-22. Review status: criteria provided, single submitter. Criteria: ACMG Guidelines, 2015. Collection method: clinical testing. Allele origin: germline.

Clinical Genomics Laboratory, Washington University in St. Louis
Classification: Uncertain significance for Mitral valve prolapse, myxomatous 2; Van Maldergem syndrome 1. Last evaluated: 2024-08-02. Review status: criteria provided, single submitter. Criteria: ACMG Guidelines, 2015. Collection method: clinical testing. Allele origin: germline.
Comment: The DCHS1 c.2932C>T (p.Arg978Cys) variant was identified at a heterozygous allelic fraction of 50.2%, which may be consistent with germline origin. This variant, to our knowledge, has not been reported in the medical literature. This variant has been reported as a germline variant of uncertain significance by two submitters (ClinVar ID: 1363973). This variant is observed on 795/1,512,626 alleles in the general population (gnomAD v.4.1.0). Computational predictors suggest that the variant does not impact DCHS1 function. Due to limited information and based on ACMG/AMP guidelines for variant interpretation (Richards S et al., PMID: 25741868), the clinical significance of the DCHS1 c.2932C>T (p.Arg978Cys) variant is uncertain at this time.

Fulgent Genetics
Classification: Uncertain significance for Van Maldergem syndrome 1; Mitral valve prolapse, myxomatous 2. Last evaluated: 2024-05-03. Review status: criteria provided, single submitter. Criteria: ACMG Guidelines, 2015. Collection method: clinical testing. Allele origin: germline.

Ambry Genetics
Classification: Uncertain significance for Inborn genetic diseases. Last evaluated: 2023-12-20. Review status: criteria provided, single submitter. Criteria: Ambry Variant Classification Scheme 2023. Collection method: clinical testing. Allele origin: germline.